The following is an entry in ClinVar:

ClinVar aggregate classification (germline): Conflicting classifications of pathogenicity. Review status: criteria provided, conflicting classifications (1 of 4 stars). 7 submissions from 7 submitters: Uncertain significance (5); Likely benign (2). Last evaluated 2025-01-20.

Conditions:
TG-related disorder. Also called: TG-related disorders; TG-related condition.
Inborn genetic diseases. Identifiers: MedGen C0950123, MeSH D030342.

Allele frequency attached by ClinVar (database versions not stated): gnomAD exomes 0.00009 and 0.00016; 1000 Genomes Project 30x 0.00016; ExAC 0.00019; 1000 Genomes Project 0.00020; ESP Exome Variant Server 0.00062; TOPMed 0.00087; gnomAD 0.00129 and 0.00134.
gnomAD v4.1: 247 of 1,548,574 alleles (0.016%); highest among the groups gnomAD compares: African/African-American, 0.33%; no homozygotes.

Submissions (7):

Labcorp Genetics (formerly Invitae), Labcorp
Classification: Likely benign. Last evaluated: 2025-01-20. Review status: criteria provided, single submitter. Criteria: Invitae Variant Classification Sherloc (09022015). Collection method: clinical testing. Allele origin: germline.

PreventionGenetics, part of Exact Sciences
Classification: Likely benign for TG-related condition. Last evaluated: 2024-11-03. Review status: criteria provided, single submitter. Criteria: ACMG Guidelines, 2015. Collection method: clinical testing. Allele origin: germline.
Comment: This variant is classified as likely benign based on ACMG/AMP sequence variant interpretation guidelines (Richards et al. 2015 PMID: 25741868, with internal and published modifications).

Blueprint Genetics
Classification: Uncertain significance. Last evaluated: 2024-09-23. Review status: criteria provided, single submitter. Criteria: ACMG Guidelines, 2015. Collection method: clinical testing. Allele origin: germline.

Genetic Services Laboratory, University of Chicago
Classification: Uncertain significance. Last evaluated: 2023-05-03. Review status: criteria provided, single submitter. Criteria: ACMG Guidelines, 2015. Collection method: clinical testing. Allele origin: germline. Affected: no.
Comment: DNA sequence analysis of the TG gene demonstrated a sequence change, c.3999C>G, in exon 18 that results in an amino acid change, p.Ile1333Met. This sequence change has been previously described in an individual with congenital hypothyroidism (PMID: 32553838). This sequence change has been described in the gnomAD database with a frequency of 0.26% in the African subpopulation (dbSNP rs150728539). The p.Ile1333Met change affects a poorly conserved amino acid residue located in a domain of the TG protein that is known to be functional. In-silico pathogenicity prediction tools (SIFT, PolyPhen2, Align GVGD, REVEL) provide contradictory results for the p.Ile1333Met substitution. Due to insufficient evidences and the lack of functional studies, the clinical significance of the p.Ile1333Met change remains unknown at this time.

Ambry Genetics
Classification: Uncertain significance for Inborn genetic diseases. Last evaluated: 2021-11-08. Review status: criteria provided, single submitter. Criteria: Ambry Variant Classification Scheme 2023. Collection method: clinical testing. Allele origin: germline.

GeneDx
Classification: Uncertain significance. Last evaluated: 2019-05-03. Review status: criteria provided, single submitter. Criteria: GeneDx Variant Classification Process June 2021. Collection method: clinical testing. Allele origin: germline. Affected: yes.
Comment: In silico analysis, which includes protein predictors and evolutionary conservation, supports that this variant does not alter protein structure/function; Has not been previously published as pathogenic or benign to our knowledge

Breakthrough Genomics
Classification: Uncertain significance. Review status: criteria provided, single submitter. Criteria: ACMG Guidelines, 2015. Collection method: not provided. Allele origin: germline. Inheritance: Autosomal recessive inheritance. Affected: yes.

NM_003235.5(TG):c.3999C>G (p.Ile1333Met)

Gene: TG (thyroglobulin; plus strand). Cytogenetic location: 8q24.22.
Variant type: single nucleotide variant.
Coding change: c.3999C>G on transcript NM_003235.5 (MANE Select); coding-DNA position 3999, C replaced by G.
Protein change: p.Ile1333Met; replaces isoleucine 1333 with methionine.
Molecular consequence: missense variant.
Genome position (GRCh38, 1-based): chr8:132,908,337, C>G. VCF-style: chr8-132908337-C-G. GRCh37 (hg19) VCF-style: chr8-133920582-C-G.
Other names: short protein forms I1333M.
Identifiers: ClinVar variation 1315621 (VCV001315621.12), dbSNP rs150728539, ClinGen allele CA4883965.